The following is an entry in ClinVar:

NM_000443.4(ABCB4):c.1A>T (p.Met1Leu)

Genes: ABCB4 (ATP binding cassette subfamily B member 4; minus strand), LOC129998756 (ATAC-STARR-seq lymphoblastoid silent region 18347; plus strand). Cytogenetic location: 7q21.12.
Variant type: single nucleotide variant.
Coding change: c.1A>T on transcript NM_000443.4 (MANE Select); coding-DNA position 1, A replaced by T.
Protein change: p.Met1Leu; changes the start codon (methionine 1).
Molecular consequence: missense variant, initiator codon variant.
Genome position (GRCh38, 1-based): chr7:87,475,465, T>A on the plus strand (A>T on the coding strand, the complement: ABCB4 is on the minus strand). VCF-style: chr7-87475465-T-A. GRCh37 (hg19) VCF-style: chr7-87104781-T-A.
Other names: c.1A>T, p.Met1Leu (NM_018849.3, NM_018850.3); short protein forms M1L.
Identifiers: ClinVar variation 4846555 (VCV004846555.1).

ClinVar aggregate classification (germline): Pathogenic (1 of 4 stars; one submission).

Conditions:
Low phospholipid associated cholelithiasis (GBD1). Also called: Gallbladder disease 1; Gallstone cholecystitis. Identifiers: Orphanet 69663, MedGen C2609268, MONDO:0010939, OMIM 600803.

Submission:

Genomenon, Inc
Classification: Pathogenic for Low phospholipid associated cholelithiasis. Last evaluated: 2026-04-14. Review status: criteria provided, single submitter. Criteria: Genomenon Sequence Variant Interpretation Standards - Updated. Collection method: curation. Allele origin: germline. Affected: yes.
Comment: ABCB4 p.Met1? (c.1A>T) is a variant that disrupts the initiation codon leading to an altered or absent protein product. This variant has been observed in at least one proband with an ABCB4-related disorder (PMID:34942279). It is absent or not present at a significant frequency in gnomAD. In conclusion, we classify ABCB4 p.Met1? (c.1A>T) as a pathogenic variant.

Literature cited by the submitters: PubMed 34942279.